The following is an entry in ClinVar:

NM_000376.3(VDR):c.88C>T (p.Arg30Ter)

Gene: VDR (vitamin D receptor; minus strand). Cytogenetic location: 12q13.11.
Variant type: single nucleotide variant.
Coding change: c.88C>T on transcript NM_000376.3 (MANE Select); coding-DNA position 88, C replaced by T.
Protein change: p.Arg30Ter; replaces arginine 30 with a stop codon.
Molecular consequence: nonsense.
Genome position (GRCh38, 1-based): chr12:47,879,026, G>A on the plus strand (C>T on the coding strand, the complement: VDR is on the minus strand). VCF-style: chr12-47879026-G-A. GRCh37 (hg19) VCF-style: chr12-48272809-G-A.
Other names: c.88C>T (NM_001017535.1); c.238C>T (NM_001017536.1); c.88C>T, p.Arg30Ter (NM_001017535.2, NM_001364085.2, NM_001374661.1 and 1 more transcripts); c.238C>T, p.Arg80Ter (NM_001017536.2); short protein forms R30*, R80*.
Identifiers: ClinVar variation 7757 (VCV000007757.14), dbSNP rs121909801, ClinGen allele CA119042.

ClinVar aggregate classification (germline): Pathogenic. Review status: criteria provided, multiple submitters, no conflicts (2 of 4 stars). 9 submissions from 9 submitters: Pathogenic (6). 3 of the submissions do not count toward it. Last evaluated 2025-01-04.

Conditions:
VDR-related disorder. Also called: VDR-related condition.
Vitamin D-dependent rickets type II with alopecia (VDDR2A). Also called: Vitamin D-dependent rickets, type 2A; PDDR IIA; PSEUDOVITAMIN D-DEFICIENCY, TYPE IIA; RICKETS, HEREDITARY VITAMIN D-RESISTANT; RICKETS-ALOPECIA SYNDROME; VITAMIN D-DEPENDENT RICKETS, TYPE 2A, WITH OR WITHOUT ALOPECIA. Identifiers: Orphanet 93160, MedGen C0342646, MONDO:0010186, OMIM 277440.

Allele frequency attached by ClinVar (database versions not stated): gnomAD 0.00001; gnomAD exomes 0.00002.
gnomAD v4.1: 30 of 1,613,814 alleles (0.0019%); highest among the groups gnomAD compares: East Asian, 0.0067%; no homozygotes.

Submissions (9):

Genomic Medicine Center of Excellence, King Faisal Specialist Hospital and Research Centre
Classification: Pathogenic for Vitamin D-dependent rickets type II with alopecia. Last evaluated: 2025-01-04. Review status: criteria provided, single submitter. Criteria: ACMG Guidelines, 2015. Collection method: clinical testing. Allele origin: germline.

Fulgent Genetics
Classification: Pathogenic for Vitamin D-dependent rickets type II with alopecia. Last evaluated: 2024-05-17. Review status: criteria provided, single submitter. Criteria: ACMG Guidelines, 2015. Collection method: clinical testing. Allele origin: germline.

Blueprint Genetics
Classification: Pathogenic for VDR-related disorders. Last evaluated: 2024-04-16. Review status: criteria provided, single submitter. Criteria: ACMG Guidelines, 2015. Collection method: clinical testing. Allele origin: germline. Affected: yes. Observed: 4 variant alleles.

Labcorp Genetics (formerly Invitae), Labcorp
Classification: Pathogenic. Last evaluated: 2024-02-04. Review status: criteria provided, single submitter. Criteria: Invitae Variant Classification Sherloc (09022015). Collection method: clinical testing. Allele origin: germline.
Comment: This sequence change creates a premature translational stop signal (p.Arg30*) in the VDR gene. It is expected to result in an absent or disrupted protein product. Loss-of-function variants in VDR are known to be pathogenic (PMID: 10204116, 24246681). This variant is present in population databases (rs121909801, gnomAD 0.003%). This premature translational stop signal has been observed in individual(s) with vitamin D-dependent rickets (PMID: 9360557, 19049339). It has also been observed to segregate with disease in related individuals. ClinVar contains an entry for this variant (Variation ID: 7757). For these reasons, this variant has been classified as Pathogenic.

3billion
Classification: Pathogenic for Vitamin D-dependent rickets type II with alopecia. Last evaluated: 2022-09-01. Review status: criteria provided, single submitter. Criteria: ACMG Guidelines, 2015. Collection method: clinical testing. Allele origin: germline. Affected: yes. Observed: 1 homozygote.
Comment: The variant is observed at an extremely low frequency in the gnomAD v2.1.1 dataset (total allele frequency: 0.002%). Stop-gained (nonsense) is predicted to result in a loss or disruption of normal protein function through nonsense-mediated decay (NMD) or protein truncation. Multiple pathogenic variants are reported downstream of the variant. The variant has been reported to be associated with VDR-related disorder (ClinVar ID: VCV000007757 / PMID: 9360557). Therefore, this variant is classified as Pathogenic according to the recommendation of ACMG/AMP guideline.

Juno Genomics, Hangzhou Juno Genomics, Inc
Classification: Pathogenic for Vitamin D-dependent rickets type II with alopecia. Review status: criteria provided, single submitter. Criteria: ACMG Guidelines, 2015. Collection method: clinical testing. Allele origin: germline. Affected: yes.
Comment: Absent from controls (or at extremely low frequency if recessive) in Genome Aggregation Database, Exome Sequencing Project, 1000 Genomes Project, or Exome Aggregation Consortium.;Null variant in a gene where loss of function (LOF) is a known mechanism of disease.;For recessive disorders, detected in trans with a pathogenic variant.

OMIM
Classification: Pathogenic for VITAMIN D-DEPENDENT RICKETS, TYPE 2A. Last evaluated: 1998-02-01. Review status: no assertion criteria provided. Collection method: literature only. Allele origin: germline. Not counted in ClinVar's aggregate classification.

Department of Pediatric Endocrinology, Shriners Hospitals for Children - Mexico City
No classification provided. Condition: Vitamin D-dependent rickets type II with alopecia. Review status: no classification provided. Collection method: phenotyping only. Allele origin: germline. Inheritance: Autosomal recessive inheritance. Affected: yes. Observed: 1 variant allele. Not counted in ClinVar's aggregate classification.

FAHD UNIT, Department of Genetics, King Faisal Specialist Hospital and Research Centre
Classification: Pathogenic for Vitamin D-dependent rickets type II with alopecia. Review status: no assertion criteria provided. Collection method: clinical testing. Allele origin: germline. Affected: yes. Observed: 8 variant alleles. Not counted in ClinVar's aggregate classification.

Literature cited by the submitters: PubMed 10204116 (cited by Labcorp Genetics (formerly Invitae), Labcorp); PubMed 24246681 (cited by Labcorp Genetics (formerly Invitae), Labcorp); PubMed 9360557 (cited by 3 submitters); PubMed 19049339 (cited by Labcorp Genetics (formerly Invitae), Labcorp); PubMed 9495519 (cited by OMIM).